The following is an entry in ClinVar:

ClinVar aggregate classification (germline): Likely pathogenic (1 of 4 stars; one submission).

Conditions:
Atrial fibrillation. Identifiers: MedGen C0004238, MONDO:0004981, HP:0005110.

Submission:

Lildballe Lab, Aarhus University Hospital
Classification: Likely pathogenic for Atrial fibrillation. Last evaluated: 2024-03-01. Review status: criteria provided, single submitter. Criteria: ACMG Guidelines, 2015. Collection method: research. Allele origin: germline. Affected: yes.
Comment: PM1(m), PP2(sup), PM2(sup), PP3(m)

Literature cited by the submitters: PubMed 25741887; PubMed 39481677.

NM_000218.3(KCNQ1):c.508G>A (p.Glu170Lys)

Gene: KCNQ1 (potassium voltage-gated channel subfamily Q member 1; plus strand). Cytogenetic location: 11p15.5.
Variant type: single nucleotide variant.
Coding change: c.508G>A on transcript NM_000218.3 (MANE Select); coding-DNA position 508, G replaced by A.
Protein change: p.Glu170Lys; replaces glutamic acid 170 with lysine.
Molecular consequence: missense variant. On other transcripts: intron variant (1).
Genome position (GRCh38, 1-based): chr11:2,570,658, G>A. VCF-style: chr11-2570658-G-A. GRCh37 (hg19) VCF-style: chr11-2591888-G-A.
Other names: c.508G>A, p.Glu170Lys (NM_001406836.1); c.238G>A, p.Glu80Lys (NM_001406837.1); c.127G>A, p.Glu43Lys (NM_181798.2); c.478-12777G>A (NM_001406838.1); short protein forms E170K, E43K, E80K.
Identifiers: ClinVar variation 3338330 (VCV003338330.1).